The following is an entry in ClinVar:

NM_203447.4(DOCK8):c.2749G>A (p.Glu917Lys)

Gene: DOCK8 (dedicator of cytokinesis 8; plus strand). Cytogenetic location: 9p24.3.
Variant type: single nucleotide variant.
Coding change: c.2749G>A on transcript NM_203447.4 (MANE Select); coding-DNA position 2749, G replaced by A.
Protein change: p.Glu917Lys; replaces glutamic acid 917 with lysine.
Molecular consequence: missense variant.
Genome position (GRCh38, 1-based): chr9:382,656, G>A. VCF-style: chr9-382656-G-A. GRCh37 (hg19) VCF-style: chr9-382656-G-A.
Other names: p.Glu917Lys; c.2545G>A, p.Glu849Lys (NM_001190458.2, NM_001193536.2); short protein forms E917K, E849K.
Identifiers: ClinVar variation 282578 (VCV000282578.61), dbSNP rs200899164, ClinGen allele CA4958309.
Genomic context (GRCh38, chr9:382,656, plus strand): 5'-CAGGCCCGGGTGATGAGCAGCAGTAACCCAGACCTCGCGGGGACACACTCCGCAGCAGAC[G>A]AGGAAGTGAAGAACATCATGTCTTCAAAGGTAGGAAAGATGTCAAACCGTGGAAGGGGAC-3'
Protein context (NP_982272.2, residues 907-927): DLAGTHSAAD[Glu917Lys]EVKNIMSSKI

ClinVar aggregate classification (germline): Uncertain significance. Review status: criteria provided, multiple submitters, no conflicts (2 of 4 stars). 9 submissions from 9 submitters: Uncertain significance (7). 2 of the submissions do not count toward it. Last evaluated 2026-02-10.

Conditions:
DOCK8-related disorder. Also called: DOCK8-related condition.
Combined immunodeficiency due to DOCK8 deficiency (HIES2). Also called: HYPER-IgE SYNDROME 2, AUTOSOMAL RECESSIVE, WITH RECURRENT INFECTIONS; Hyper-IgE recurrent infection syndrome, autosomal recessive; HIES autosomal recessive; DOCK8 Deficiency; HYPER-IgE RECURRENT INFECTION SYNDROME 2, AUTOSOMAL RECESSIVE. Identifiers: Orphanet 217390, MedGen C4722305, MONDO:0009478, OMIM 243700.
Intellectual disability. Also called: Intellectual functioning disability; intellectual disabilities; Intellectual developmental disorder. Identifiers: MedGen C3714756, MeSH D008607, MONDO:0001071, HP:0001249.

Allele frequency attached by ClinVar (database versions not stated): gnomAD 0.00030; TOPMed 0.00036; ESP Exome Variant Server 0.00046.
gnomAD v4.1: 623 of 1,614,074 alleles (0.039%); highest among the groups gnomAD compares: Non-Finnish European, 0.049%; no homozygotes.

Submissions (9):

GeneDx
Classification: Uncertain significance. Last evaluated: 2026-02-10. Review status: criteria provided, single submitter. Criteria: GeneDx Variant Classification Process June 2021. Collection method: clinical testing. Allele origin: germline.
Comment: In silico analysis supports that this missense variant has a deleterious effect on protein structure/function; Has not been previously published as pathogenic or benign to our knowledge

Labcorp Genetics (formerly Invitae), Labcorp
Classification: Uncertain significance for Combined immunodeficiency due to DOCK8 deficiency. Last evaluated: 2024-10-30. Review status: criteria provided, single submitter. Criteria: Invitae Variant Classification Sherloc (09022015). Collection method: clinical testing. Allele origin: germline.
Comment: This sequence change replaces glutamic acid, which is acidic and polar, with lysine, which is basic and polar, at codon 917 of the DOCK8 protein (p.Glu917Lys). This variant is present in population databases (rs200899164, gnomAD 0.06%). This variant has not been reported in the literature in individuals affected with DOCK8-related conditions. ClinVar contains an entry for this variant (Variation ID: 282578). Invitae Evidence Modeling of protein sequence and biophysical properties (such as structural, functional, and spatial information, amino acid conservation, physicochemical variation, residue mobility, and thermodynamic stability) indicates that this missense variant is not expected to disrupt DOCK8 protein function with a negative predictive value of 80%. In summary, the available evidence is currently insufficient to determine the role of this variant in disease. Therefore, it has been classified as a Variant of Uncertain Significance.

Blueprint Genetics
Classification: Uncertain significance. Last evaluated: 2024-09-12. Review status: criteria provided, single submitter. Criteria: ACMG Guidelines, 2015. Collection method: clinical testing. Allele origin: germline.

Mayo Clinic Laboratories, Mayo Clinic
Classification: Uncertain significance. Last evaluated: 2023-10-03. Review status: criteria provided, single submitter. Criteria: ACMG Guidelines, 2015. Collection method: clinical testing. Allele origin: germline. Observed: 1 variant allele.
Comment: BP4

CeGaT Center for Human Genetics Tuebingen
Classification: Uncertain significance. Last evaluated: 2019-05-01. Review status: criteria provided, single submitter. Criteria: CeGaT Center For Human Genetics Tuebingen Variant Classification Criteria Version 2. Collection method: clinical testing. Allele origin: germline. Affected: yes. Observed: 3 variant alleles.

Illumina Laboratory Services, Illumina
Classification: Uncertain significance for Combined immunodeficiency due to DOCK8 deficiency. Last evaluated: 2018-01-13. Review status: criteria provided, single submitter. Criteria: ICSL Variant Classification Criteria 13 December 2019. Collection method: clinical testing. Allele origin: germline.

Eurofins Ntd Llc (ga)
Classification: Uncertain significance. Last evaluated: 2015-08-27. Review status: criteria provided, single submitter. Criteria: EGL Classification Definitions 2015. Collection method: clinical testing. Allele origin: germline. Observed: 1 variant allele.

PreventionGenetics, part of Exact Sciences
Classification: Uncertain significance for DOCK8-related condition. Last evaluated: 2024-06-11. Review status: no assertion criteria provided. Collection method: clinical testing. Allele origin: germline. Not counted in ClinVar's aggregate classification.
Comment: The DOCK8 c.2749G>A variant is predicted to result in the amino acid substitution p.Glu917Lys. To our knowledge, this variant has not been reported in the literature. This variant is reported in 0.055% of alleles in individuals of European (Non-Finnish) descent in gnomAD. At this time, the clinical significance of this variant is uncertain due to the absence of conclusive functional and genetic evidence.

Centre de Biologie Pathologie Génétique, Centre Hospitalier Universitaire de Lille
Classification: Uncertain significance for Intellectual disability. Last evaluated: 2019-01-01. Review status: no assertion criteria provided. Collection method: clinical testing. Allele origin: unknown. Affected: yes. Not counted in ClinVar's aggregate classification.